The following is an entry in ClinVar:

NM_001160148.2(DDHD1):c.1161A>T (p.Arg387Ser)

Gene: DDHD1 (DDHD domain containing 1; minus strand). Cytogenetic location: 14q22.1.
Variant type: single nucleotide variant.
Coding change: c.1161A>T on transcript NM_001160148.2 (MANE Select); coding-DNA position 1161, A replaced by T.
Protein change: p.Arg387Ser; replaces arginine 387 with serine.
Molecular consequence: missense variant.
Genome position (GRCh38, 1-based): chr14:53,091,913, T>A on the plus strand (A>T on the coding strand, the complement: DDHD1 is on the minus strand). VCF-style: chr14-53091913-T-A. GRCh37 (hg19) VCF-style: chr14-53558631-T-A.
Other names: c.1182A>T, p.Arg394Ser (NM_001160147.2); c.1161A>T, p.Arg387Ser (NM_030637.3); short protein forms R387S, R394S.
Identifiers: ClinVar variation 1410765 (VCV001410765.5), dbSNP rs1312004804, ClinGen allele CA389767237.
Genomic context (GRCh38, chr14:53,091,913, plus strand): 5'-ATGGGTAGTCTGTGATGGCTTGTCTTCTAATGTGGCTTCTTCTACATAACCTCTATGAAG[T>A]CTGGTACCACTACTTGATGCTGTAGAAAAATTATAATTCTAAGTTTACTATTTAATCTGA-3'
Protein context (NP_001153620.1, residues 377-397): GFSKASSSGT[Arg387Ser]LHRGYVEEAT

ClinVar aggregate classification (germline): Uncertain significance (1 of 4 stars; one submission).

Conditions:
Hereditary spastic paraplegia 28. Also called: Spastic paraplegia 28, autosomal recessive. Identifiers: Orphanet 101008, MedGen C1836295, MONDO:0012256, OMIM 609340.

gnomAD v4.1: 1 of 1,609,606 alleles (0.000062%); highest among the groups gnomAD compares: Non-Finnish European, 0.000085%; no homozygotes.

Submission:

Labcorp Genetics (formerly Invitae), Labcorp
Classification: Uncertain significance for Hereditary spastic paraplegia 28. Last evaluated: 2021-10-30. Review status: criteria provided, single submitter. Criteria: Invitae Variant Classification Sherloc (09022015). Collection method: clinical testing. Allele origin: germline.
Comment: This variant has not been reported in the literature in individuals affected with DDHD1-related conditions. This variant is not present in population databases (gnomAD no frequency). This sequence change replaces arginine, which is basic and polar, with serine, which is neutral and polar, at codon 394 of the DDHD1 protein (p.Arg394Ser). Algorithms developed to predict the effect of missense changes on protein structure and function are either unavailable or do not agree on the potential impact of this missense change (SIFT: "Tolerated"; PolyPhen-2: "Probably Damaging"; Align-GVGD: "Class C0"). In summary, the available evidence is currently insufficient to determine the role of this variant in disease. Therefore, it has been classified as a Variant of Uncertain Significance.